The following is an entry in ClinVar:

NM_001430.5(EPAS1):c.1363C>T (p.Pro455Ser)

Gene: EPAS1 (endothelial PAS domain protein 1; plus strand). Cytogenetic location: 2p21.
Variant type: single nucleotide variant.
Coding change: c.1363C>T on transcript NM_001430.5 (MANE Select); coding-DNA position 1363, C replaced by T.
Protein change: p.Pro455Ser; replaces proline 455 with serine.
Molecular consequence: missense variant.
Genome position (GRCh38, 1-based): chr2:46,378,007, C>T. VCF-style: chr2-46378007-C-T. GRCh37 (hg19) VCF-style: chr2-46605146-C-T.
Other names: short protein forms P455S.
Identifiers: ClinVar variation 3275647 (VCV003275647.1).
Genomic context (GRCh38, chr2:46,378,007, plus strand): 5'-AGCCAGCCATGGGCCACGGAGTTGAGGAGCCACAGCACCCAGAGCGAGGCTGGGAGCCTG[C>T]CTGCCTTCACCGTGCCCCAGGCAGCTGCCCCGGGCAGCACCACCCCCAGTGCCACCAGCA-3'
Protein context (NP_001421.2, residues 445-465): HSTQSEAGSL[Pro455Ser]AFTVPQAAAP

ClinVar aggregate classification (germline): Uncertain significance (1 of 4 stars; one submission).

Conditions:
Inborn genetic diseases. Identifiers: MedGen C0950123, MeSH D030342.

gnomAD v4.1: 3 of 1,596,926 alleles (0.00019%); highest among the groups gnomAD compares: Middle Eastern, 0.018%; no homozygotes.

Submission:

Ambry Genetics
Classification: Uncertain significance for Inborn genetic diseases. Last evaluated: 2024-04-24. Review status: criteria provided, single submitter. Criteria: Ambry Variant Classification Scheme 2023. Collection method: clinical testing. Allele origin: germline.
Comment: The p.P455S variant (also known as c.1363C>T), located in coding exon 10 of the EPAS1 gene, results from a C to T substitution at nucleotide position 1363. The proline at codon 455 is replaced by serine, an amino acid with similar properties. This amino acid position is conserved. In addition, this alteration is predicted to be tolerated by in silico analysis. Based on the available evidence, the clinical significance of this variant remains unclear.